The following is an entry in ClinVar:

ClinVar aggregate classification (germline): Likely benign (1 of 4 stars; one submission).

Conditions:
Breast-ovarian cancer, familial, susceptibility to, 2 (BROVCA2). Also called: BRCA2 Hereditary Breast and Ovarian Cancer. Identifiers: Orphanet 145, MedGen C2675520, MONDO:0012933, OMIM 612555. Disease mechanism: loss of function.

gnomAD v4.1: 1 of 1,614,098 alleles (0.000062%); highest among the groups gnomAD compares: South Asian, 0.0011%; no homozygotes.

Submission:

Cancer Bioinformatics and Tumour Evolution Laboratory, Monash University
Classification: Likely benign for Breast-ovarian cancer, familial, susceptibility to, 2. Last evaluated: 2026-05-01. Review status: criteria provided, single submitter. Criteria: ClinGen BRCA1 and BRCA2 Guidelines, 2024. Collection method: curation. Allele origin: germline. Inheritance: Autosomal dominant inheritance.
Comment: Missense variant outside of a functional domain with no splice impact. BRCA1 and BRCA2 VCEP guidelines recommend application of BP1_Strong (PMID: 39142283)

NM_000059.4(BRCA2):c.9809C>T (p.Ala3270Val)

Gene: BRCA2 (BRCA2 DNA repair associated; plus strand). Cytogenetic location: 13q13.1.
Variant type: single nucleotide variant.
Coding change: c.9809C>T on transcript NM_000059.4 (MANE Select); coding-DNA position 9809, C replaced by T.
Protein change: p.Ala3270Val; replaces alanine 3270 with valine.
Molecular consequence: missense variant. On other transcripts: non-coding transcript variant (1).
Genome position (GRCh38, 1-based): chr13:32,398,322, C>T. VCF-style: chr13-32398322-C-T. GRCh37 (hg19) VCF-style: chr13-32972459-C-T.
Other names: c.9713C>T, p.Ala3238Val (NM_001406719.1); c.9758C>T, p.Ala3253Val (NM_001406720.1); c.4877C>T, p.Ala1626Val (NM_001406721.1); c.3392C>T, p.Ala1131Val (NM_001406722.1); c.9809C>T, p.Ala3270Val (NM_001432077.1); short protein forms A1131V, A1626V, A3238V, A3253V, A3270V.
Identifiers: ClinVar variation 4856439 (VCV004856439.1).
Genomic context (GRCh38, chr13:32,398,322, plus strand): 5'-CAAAGTCTTGTAAAGGGGAGAAAGAGATTGATGACCAAAAGAACTGCAAAAAGAGAAGAG[C>T]CTTGGATTTCTTGAGTAGACTGCCTTTACCTCCACCTGTTAGTCCCATTTGTACATTTGT-3'
Protein context (NP_000050.3, residues 3260-3280): DDQKNCKKRR[Ala3270Val]LDFLSRLPLP